The following is an entry in ClinVar:

ClinVar aggregate classification (germline): Uncertain significance. Review status: criteria provided, multiple submitters, no conflicts (2 of 4 stars). 2 submissions from 2 submitters: Uncertain significance (2). Last evaluated 2025-08-27.

Allele frequency attached by ClinVar (database versions not stated): gnomAD exomes 0.00001 and 0.00004; ExAC 0.00005; TOPMed 0.00009; gnomAD 0.00010; ESP Exome Variant Server 0.00015; 1000 Genomes Project 0.00020; 1000 Genomes Project 30x 0.00047.
gnomAD v4.1: 31 of 1,612,678 alleles (0.0019%); highest among the groups gnomAD compares: African/African-American, 0.028%; no homozygotes.

Submissions (2):

Ambry Genetics
Classification: Uncertain significance. Last evaluated: 2025-08-27. Review status: criteria provided, single submitter. Criteria: Ambry Variant Classification Scheme 2023. Collection method: clinical testing. Allele origin: germline.

Labcorp Genetics (formerly Invitae), Labcorp
Classification: Uncertain significance. Last evaluated: 2024-09-05. Review status: criteria provided, single submitter. Criteria: Invitae Variant Classification Sherloc (09022015). Collection method: clinical testing. Allele origin: germline.
Comment: This sequence change replaces arginine, which is basic and polar, with tryptophan, which is neutral and slightly polar, at codon 644 of the KIF20A protein (p.Arg644Trp). This variant is present in population databases (rs146201395, gnomAD 0.03%). This variant has not been reported in the literature in individuals affected with KIF20A-related conditions. ClinVar contains an entry for this variant (Variation ID: 1518912). An algorithm developed to predict the effect of missense changes on protein structure and function (PolyPhen-2) suggests that this variant is likely to be disruptive. In summary, the available evidence is currently insufficient to determine the role of this variant in disease. Therefore, it has been classified as a Variant of Uncertain Significance.

NM_005733.3(KIF20A):c.1930C>T (p.Arg644Trp)

Gene: KIF20A (kinesin family member 20A; plus strand). Cytogenetic location: 5q31.2.
Variant type: single nucleotide variant.
Coding change: c.1930C>T on transcript NM_005733.3 (MANE Select); coding-DNA position 1930, C replaced by T.
Protein change: p.Arg644Trp; replaces arginine 644 with tryptophan.
Molecular consequence: missense variant.
Genome position (GRCh38, 1-based): chr5:138,185,515, C>T. VCF-style: chr5-138185515-C-T. GRCh37 (hg19) VCF-style: chr5-137521204-C-T.
Other names: c.1930C>T (NM_005733.2); short protein forms R644W.
Identifiers: ClinVar variation 1518912 (VCV001518912.9), dbSNP rs146201395, ClinGen allele CA3426768.